The following is an entry in ClinVar:

ClinVar aggregate classification (germline): Benign. Review status: criteria provided, multiple submitters, no conflicts (2 of 4 stars). 3 submissions from 3 submitters: Benign (2). 1 of the submissions does not count toward it. Last evaluated 2025-12-31.

Conditions:
NTRK2-related disorder. Also called: NTRK2-related condition.

Allele frequency attached by ClinVar (database versions not stated): gnomAD exomes 0.00003 and 0.00017; TOPMed 0.00006; gnomAD 0.00009 and 0.00011; ExAC 0.00020; 1000 Genomes Project 30x 0.00047; 1000 Genomes Project 0.00060.
gnomAD v4.1: 61 of 1,613,892 alleles (0.0038%); highest among the groups gnomAD compares: East Asian, 0.13%; no homozygotes.

Submissions (3):

Labcorp Genetics (formerly Invitae), Labcorp
Classification: Benign. Last evaluated: 2025-12-31. Review status: criteria provided, single submitter. Criteria: Invitae Variant Classification Sherloc (09022015). Collection method: clinical testing. Allele origin: germline.

ARUP Laboratories, Molecular Genetics and Genomics, ARUP Laboratories
Classification: Benign. Last evaluated: 2025-04-28. Review status: criteria provided, single submitter. Criteria: ARUP Molecular Germline Variant Investigation Process 2024. Collection method: clinical testing. Allele origin: germline.

PreventionGenetics, part of Exact Sciences
Classification: Likely benign for NTRK2-related condition. Last evaluated: 2019-11-12. Review status: no assertion criteria provided. Collection method: clinical testing. Allele origin: germline. Not counted in ClinVar's aggregate classification.
Comment: This variant is classified as likely benign based on ACMG/AMP sequence variant interpretation guidelines (Richards et al. 2015 PMID: 25741868, with internal and published modifications).

NM_006180.6(NTRK2):c.1260A>G (p.Thr420=)

Gene: NTRK2 (neurotrophic receptor tyrosine kinase 2; plus strand). Cytogenetic location: 9q21.33.
Variant type: single nucleotide variant.
Coding change: c.1260A>G on transcript NM_006180.6 (MANE Select); coding-DNA position 1260, A replaced by G.
Protein change: p.Thr420=; no amino-acid change (threonine 420 retained).
Molecular consequence: synonymous variant.
Genome position (GRCh38, 1-based): chr9:84,745,037, A>G. VCF-style: chr9-84745037-A-G. GRCh37 (hg19) VCF-style: chr9-87359952-A-G.
Other names: c.1260A>G (NM_006180.4); c.1260A>G, p.Thr420= (NM_001007097.3, NM_001018064.3, NM_001018065.2 and 15 more transcripts); c.1221A>G, p.Thr407= (NM_001291937.2, NM_001369546.1); c.1224A>G, p.Thr408= (NM_001369534.1); c.792A>G, p.Thr264= (NM_001369535.1, NM_001369536.1, NM_001369550.1 and 2 more transcripts).
Identifiers: ClinVar variation 1674818 (VCV001674818.12), dbSNP rs55939150, ClinGen allele CA5105687.